The following is an entry in ClinVar:

NM_002693.3(POLG):c.3715C>A (p.Pro1239Thr)

Genes: FANCI (FA complementation group I; plus strand), POLG (DNA polymerase gamma, catalytic subunit; minus strand). Cytogenetic location: 15q26.1.
Variant type: single nucleotide variant.
Coding change: c.3715C>A on transcript NM_002693.3 (MANE Select); coding-DNA position 3715, C replaced by A.
Protein change: p.Pro1239Thr; replaces proline 1239 with threonine.
Molecular consequence: missense variant. On other transcripts: 3 prime UTR variant (4).
Genome position (GRCh38, 1-based): chr15:89,316,756, G>T on the plus strand (C>A on the coding strand, the complement: POLG is on the minus strand). VCF-style: chr15-89316756-G-T. GRCh37 (hg19) VCF-style: chr15-89859987-G-T.
Other names: c.3715C>A, p.Pro1239Thr (NM_001126131.2); c.*297G>T (NM_001113378.2, NM_001376910.1, NM_001376911.1 and 1 more transcripts); short protein forms P1239T.
Identifiers: ClinVar variation 1878842 (VCV001878842.6), dbSNP rs759405334, ClinGen allele CA393746789.

ClinVar aggregate classification (germline): Uncertain significance. Review status: criteria provided, multiple submitters, no conflicts (2 of 4 stars). 2 submissions from 2 submitters: Uncertain significance (2). Last evaluated 2022-07-14.

Conditions:
Progressive sclerosing poliodystrophy (MTDPS4A). Also called: Alpers-Huttenlocher Syndrome; Mitochondrial DNA Depletion Syndrome 4A; ALPERS PROGRESSIVE INFANTILE POLIODYSTROPHY; NEURONAL DEGENERATION OF CHILDHOOD WITH LIVER DISEASE, PROGRESSIVE; Alpers-Huttenlocher Syndrome (AHS); Alpers Syndrome. Identifiers: Orphanet 726, MedGen C0205710, MONDO:0008758, OMIM 203700.

Submissions (2):

GeneDx
Classification: Uncertain significance. Last evaluated: 2022-07-14. Review status: criteria provided, single submitter. Criteria: GeneDx Variant Classification Process June 2021. Collection method: clinical testing. Allele origin: germline. Affected: yes.
Comment: Not observed at significant frequency in large population cohorts (gnomAD); In silico analysis supports that this missense variant does not alter protein structure/function; Has not been previously published as pathogenic or benign to our knowledge

Labcorp Genetics (formerly Invitae), Labcorp
Classification: Uncertain significance for Progressive sclerosing poliodystrophy. Last evaluated: 2022-06-18. Review status: criteria provided, single submitter. Criteria: Invitae Variant Classification Sherloc (09022015). Collection method: clinical testing. Allele origin: germline.
Comment: In summary, the available evidence is currently insufficient to determine the role of this variant in disease. Therefore, it has been classified as a Variant of Uncertain Significance. Algorithms developed to predict the effect of missense changes on protein structure and function output the following: SIFT: "Tolerated"; PolyPhen-2: "Probably Damaging"; Align-GVGD: "Class C0". The threonine amino acid residue is found in multiple mammalian species, which suggests that this missense change does not adversely affect protein function. This variant has not been reported in the literature in individuals affected with POLG-related conditions. This variant is not present in population databases (gnomAD no frequency). This sequence change replaces proline, which is neutral and non-polar, with threonine, which is neutral and polar, at codon 1239 of the POLG protein (p.Pro1239Thr).